The following is an entry in ClinVar:

ClinVar aggregate classification (germline): Uncertain significance (1 of 4 stars; one submission).

Conditions:
CHARGE syndrome (CHARGE). Also called: Hittner Hirsch Kreh syndrome; CHARGE ASSOCIATION--COLOBOMA, HEART ANOMALY, CHOANAL ATRESIA, RETARDATION, GENITAL AND EAR ANOMALIES; Coloboma, heart anomaly, choanal atresia, retardation, genital and ear anomalies; CHARGE association; Hall-Hittner syndrome. Identifiers: Orphanet 138, MedGen C0265354, MONDO:0008965.

Submission:

Labcorp Genetics (formerly Invitae), Labcorp
Classification: Uncertain significance for CHARGE syndrome. Last evaluated: 2025-10-21. Review status: criteria provided, single submitter. Criteria: Invitae Variant Classification Sherloc (09022015). Collection method: clinical testing. Allele origin: germline.
Comment: This sequence change replaces methionine, which is neutral and non-polar, with leucine, which is neutral and non-polar, at codon 1935 of the CHD7 protein (p.Met1935Leu). This variant is not present in population databases (gnomAD no frequency). This variant has not been reported in the literature in individuals affected with CHD7-related conditions. ClinVar contains an entry for this variant (Variation ID: 1992134). Invitae Evidence Modeling of protein sequence and biophysical properties (such as structural, functional, and spatial information, amino acid conservation, physicochemical variation, residue mobility, and thermodynamic stability) indicates that this missense variant is not expected to disrupt CHD7 protein function with a negative predictive value of 95%. In summary, the available evidence is currently insufficient to determine the role of this variant in disease. Therefore, it has been classified as a Variant of Uncertain Significance.

NM_017780.4(CHD7):c.5803A>C (p.Met1935Leu)

Gene: CHD7 (chromodomain helicase DNA binding protein 7; plus strand). Cytogenetic location: 8q12.2.
Variant type: single nucleotide variant.
Coding change: c.5803A>C on transcript NM_017780.4 (MANE Select); coding-DNA position 5803, A replaced by C.
Protein change: p.Met1935Leu; replaces methionine 1935 with leucine.
Molecular consequence: missense variant. On other transcripts: intron variant (1).
Genome position (GRCh38, 1-based): chr8:60,852,156, A>C. VCF-style: chr8-60852156-A-C. GRCh37 (hg19) VCF-style: chr8-61764715-A-C.
Other names: c.1717-10073A>C (NM_001316690.1); short protein forms M1935L.
Identifiers: ClinVar variation 1992134 (VCV001992134.4), dbSNP rs2488030701, ClinGen allele CA371322959.